The following is an entry in ClinVar:

NM_001122769.3(LCA5):c.238C>T (p.Arg80Ter)

Gene: LCA5 (lebercilin LCA5; minus strand). Cytogenetic location: 6q14.1.
Variant type: single nucleotide variant.
Coding change: c.238C>T on transcript NM_001122769.3 (MANE Select); coding-DNA position 238, C replaced by T.
Protein change: p.Arg80Ter; replaces arginine 80 with a stop codon.
Molecular consequence: nonsense.
Genome position (GRCh38, 1-based): chr6:79,513,694, G>A on the plus strand (C>T on the coding strand, the complement: LCA5 is on the minus strand). VCF-style: chr6-79513694-G-A. GRCh37 (hg19) VCF-style: chr6-80223411-G-A.
Other names: c.238C>T, p.Arg80Ter (NM_181714.4); short protein forms R80*.
Identifiers: ClinVar variation 662038 (VCV000662038.13), dbSNP rs781035395, ClinGen allele CA3901162.

ClinVar aggregate classification (germline): Pathogenic/Likely pathogenic. Review status: criteria provided, multiple submitters, no conflicts (2 of 4 stars). 5 submissions from 5 submitters: Pathogenic (3); Likely pathogenic (1). 1 of the submissions does not count toward it. Last evaluated 2024-01-12.

Conditions:
Leber congenital amaurosis (LCA). Also called: Leber's amaurosis. Identifiers: Orphanet 65, MedGen C0339527, MeSH D057130, MONDO:0018998.
LCA5-related disorder. Also called: LCA5-related condition.
Leber congenital amaurosis 5 (LCA5). Also called: Amaurosis congenita of Leber, type 5. Identifiers: Orphanet 65, MedGen C1858301, MONDO:0011473, OMIM 604537.

Allele frequency attached by ClinVar (database versions not stated): TOPMed below 0.00001; ExAC 0.00001; gnomAD 0.00001; gnomAD exomes 0.00001.

Submissions (5):

Labcorp Genetics (formerly Invitae), Labcorp
Classification: Pathogenic. Last evaluated: 2024-01-12. Review status: criteria provided, single submitter. Criteria: Invitae Variant Classification Sherloc (09022015). Collection method: clinical testing. Allele origin: germline.
Comment: This sequence change creates a premature translational stop signal (p.Arg80*) in the LCA5 gene. It is expected to result in an absent or disrupted protein product. Loss-of-function variants in LCA5 are known to be pathogenic (PMID: 17546029, 23946133). This variant is present in population databases (rs781035395, gnomAD 0.003%). This premature translational stop signal has been observed in individual(s) with Leber congenital amaurosis (PMID: 26047050, 31456290). ClinVar contains an entry for this variant (Variation ID: 662038). For these reasons, this variant has been classified as Pathogenic.

Blueprint Genetics
Classification: Likely pathogenic for LCA5-related disorders. Last evaluated: 2023-12-15. Review status: criteria provided, single submitter. Criteria: ACMG Guidelines, 2015. Collection method: clinical testing. Allele origin: germline. Affected: yes. Observed: 1 variant allele.

Baylor Genetics
Classification: Pathogenic for Leber congenital amaurosis 5. Last evaluated: 2023-04-20. Review status: criteria provided, single submitter. Criteria: ACMG Guidelines, 2015. Collection method: clinical testing. Allele origin: unknown.

Juno Genomics, Hangzhou Juno Genomics, Inc
Classification: Pathogenic for Leber congenital amaurosis 5. Review status: criteria provided, single submitter. Criteria: ACMG Guidelines, 2015. Collection method: clinical testing. Allele origin: germline.
Comment: Absent from controls (or at extremely low frequency if recessive) in Genome Aggregation Database.;Null variant in a gene where loss of function (LOF) is a known mechanism of disease.;For recessive disorders, detected in trans with a pathogenic variant.

Sharon lab, Hadassah-Hebrew University Medical Center
Classification: Pathogenic for leber congenital amaurosis. Last evaluated: 2019-06-23. Review status: no assertion criteria provided. Collection method: research. Allele origin: inherited. Affected: yes. Not counted in ClinVar's aggregate classification.

Literature cited by the submitters: PubMed 17546029 (cited by Labcorp Genetics (formerly Invitae), Labcorp); PubMed 23946133 (cited by Labcorp Genetics (formerly Invitae), Labcorp); PubMed 26047050 (cited by Labcorp Genetics (formerly Invitae), Labcorp); PubMed 31456290 (cited by Labcorp Genetics (formerly Invitae), Labcorp).